The following is an entry in ClinVar:

NM_004958.4(MTOR):c.5093A>G (p.Tyr1698Cys)

Gene: MTOR (mechanistic target of rapamycin kinase; minus strand). Cytogenetic location: 1p36.22.
Variant type: single nucleotide variant.
Coding change: c.5093A>G on transcript NM_004958.4 (MANE Select); coding-DNA position 5093, A replaced by G.
Protein change: p.Tyr1698Cys; replaces tyrosine 1698 with cysteine.
Molecular consequence: missense variant.
Genome position (GRCh38, 1-based): chr1:11,139,341, T>C on the plus strand (A>G on the coding strand, the complement: MTOR is on the minus strand). VCF-style: chr1-11139341-T-C. GRCh37 (hg19) VCF-style: chr1-11199398-T-C.
Other names: short protein forms Y1698C.
Identifiers: ClinVar variation 1026833 (VCV001026833.8), dbSNP rs1274400152, ClinGen allele CA338401757.

ClinVar aggregate classification (germline): Uncertain significance (1 of 4 stars; one submission).

Allele frequency attached by ClinVar (database versions not stated): gnomAD exomes below 0.00001; TOPMed below 0.00001.
gnomAD v4.1: 1 of 1,612,560 alleles (0.000062%); highest among the groups gnomAD compares: Non-Finnish European, 0.000085%; no homozygotes.

Submission:

Labcorp Genetics (formerly Invitae), Labcorp
Classification: Uncertain significance. Last evaluated: 2022-09-27. Review status: criteria provided, single submitter. Criteria: Invitae Variant Classification Sherloc (09022015). Collection method: clinical testing. Allele origin: germline.
Comment: In summary, the available evidence is currently insufficient to determine the role of this variant in disease. Therefore, it has been classified as a Variant of Uncertain Significance. Advanced modeling of protein sequence and biophysical properties (such as structural, functional, and spatial information, amino acid conservation, physicochemical variation, residue mobility, and thermodynamic stability) performed at Invitae indicates that this missense variant is not expected to disrupt MTOR protein function. This variant is present in population databases (no rsID available, gnomAD 0.0009%). This sequence change replaces tyrosine, which is neutral and polar, with cysteine, which is neutral and slightly polar, at codon 1698 of the MTOR protein (p.Tyr1698Cys). This variant has not been reported in the literature in individuals affected with MTOR-related conditions. ClinVar contains an entry for this variant (Variation ID: 1026833).